The following is an entry in ClinVar:

ClinVar aggregate classification (germline): Uncertain significance. Review status: criteria provided, multiple submitters, no conflicts (2 of 4 stars). 2 submissions from 2 submitters: Uncertain significance (2). Last evaluated 2024-10-26.

Allele frequency attached by ClinVar (database versions not stated): gnomAD exomes 0.00001.
gnomAD v4.1: 12 of 1,612,240 alleles (0.00074%); highest among the groups gnomAD compares: Admixed American, 0.018%; no homozygotes.

Submissions (2):

Labcorp Genetics (formerly Invitae), Labcorp
Classification: Uncertain significance. Last evaluated: 2024-10-26. Review status: criteria provided, single submitter. Criteria: Invitae Variant Classification Sherloc (09022015). Collection method: clinical testing. Allele origin: germline.
Comment: This sequence change replaces cysteine, which is neutral and slightly polar, with serine, which is neutral and polar, at codon 5921 of the ADGRV1 protein (p.Cys5921Ser). This variant is not present in population databases (gnomAD no frequency). This variant has not been reported in the literature in individuals affected with ADGRV1-related conditions. ClinVar contains an entry for this variant (Variation ID: 1376212). Invitae Evidence Modeling of protein sequence and biophysical properties (such as structural, functional, and spatial information, amino acid conservation, physicochemical variation, residue mobility, and thermodynamic stability) indicates that this missense variant is not expected to disrupt ADGRV1 protein function with a negative predictive value of 95%. In summary, the available evidence is currently insufficient to determine the role of this variant in disease. Therefore, it has been classified as a Variant of Uncertain Significance.

Blueprint Genetics
Classification: Uncertain significance. Last evaluated: 2020-08-17. Review status: criteria provided, single submitter. Criteria: ACMG Guidelines, 2015. Collection method: clinical testing. Allele origin: germline.

NM_032119.4(ADGRV1):c.17762G>C (p.Cys5921Ser)

Gene: ADGRV1 (adhesion G protein-coupled receptor V1; plus strand). Cytogenetic location: 5q14.3.
Variant type: single nucleotide variant.
Coding change: c.17762G>C on transcript NM_032119.4 (MANE Select); coding-DNA position 17762, G replaced by C.
Protein change: p.Cys5921Ser; replaces cysteine 5921 with serine.
Molecular consequence: missense variant. On other transcripts: non-coding transcript variant (1).
Genome position (GRCh38, 1-based): chr5:90,863,763, G>C. VCF-style: chr5-90863763-G-C. GRCh37 (hg19) VCF-style: chr5-90159580-G-C.
Other names: short protein forms C5921S.
Identifiers: ClinVar variation 1376212 (VCV001376212.5), dbSNP rs878948507, ClinGen allele CA122813814.